The following is an entry in ClinVar:

NM_002907.4(RECQL):c.1848G>A (p.Glu616=)

Genes: PYROXD1 (pyridine nucleotide-disulphide oxidoreductase domain 1; plus strand), RECQL (RecQ like helicase; minus strand). Cytogenetic location: 12p12.1.
Variant type: single nucleotide variant.
Coding change: c.1848G>A on transcript NM_002907.4 (MANE Select); coding-DNA position 1848, G replaced by A.
Protein change: p.Glu616=; no amino-acid change (glutamic acid 616 retained).
Molecular consequence: synonymous variant. On other transcripts: 3 prime UTR variant (3).
Genome position (GRCh38, 1-based): chr12:21,470,296, C>T on the plus strand (G>A on the coding strand, the complement: RECQL is on the minus strand). VCF-style: chr12-21470296-C-T. GRCh37 (hg19) VCF-style: chr12-21623230-C-T.
Other names: c.1848G>A, p.Glu616= (NM_032941.3); c.*1542C>T (NM_001350912.2, NM_001350913.2, NM_024854.5).
Identifiers: ClinVar variation 1635984 (VCV001635984.11), dbSNP rs1369932572, ClinGen allele CA478869201.

ClinVar aggregate classification (germline): Conflicting classifications of pathogenicity. Review status: criteria provided, conflicting classifications (1 of 4 stars). 3 submissions from 3 submitters: Uncertain significance (1); Likely benign (2). Last evaluated 2023-07-18.

Submissions (3):

Quest Diagnostics Nichols Institute San Juan Capistrano
Classification: Uncertain significance. Last evaluated: 2023-07-18. Review status: criteria provided, single submitter. Criteria: Quest Diagnostics criteria. Collection method: clinical testing. Allele origin: unknown.
Comment: To the best of our knowledge, this variant has not been reported in the published literature. It also has not been reported in large, multi-ethnic general populations (Genome Aggregation Database). Analysis of this variant using software algorithms for the prediction of the effect of nucleotide changes on splicing yielded predictions that this variant does not affect RECQL mRNA splicing . Based on the available information, we are unable to determine the clinical significance of this variant.

Labcorp Genetics (formerly Invitae), Labcorp
Classification: Likely benign. Last evaluated: 2021-07-24. Review status: criteria provided, single submitter. Criteria: Invitae Variant Classification Sherloc (09022015). Collection method: clinical testing. Allele origin: germline.

Ambry Genetics
Classification: Likely benign. Last evaluated: 2019-10-22. Review status: criteria provided, single submitter. Criteria: Ambry Variant Classification Scheme 2023. Collection method: clinical testing. Allele origin: germline.